The following is an entry in ClinVar:

ClinVar aggregate classification (germline): Uncertain significance (1 of 4 stars; one submission).

Submission:

GeneDx
Classification: Uncertain significance. Last evaluated: 2024-03-26. Review status: criteria provided, single submitter. Criteria: GeneDx Variant Classification Process June 2021. Collection method: clinical testing. Allele origin: germline. Affected: yes.
Comment: Has not been previously published as pathogenic or benign to our knowledge; Not observed at significant frequency in large population cohorts (gnomAD); In silico analysis supports that this missense variant has a deleterious effect on protein structure/function; This variant is associated with the following publications: (PMID: 27535533)

NM_001205293.3(CACNA1E):c.5546A>G (p.Lys1849Arg)

Gene: CACNA1E (calcium voltage-gated channel subunit alpha1 E; plus strand). Cytogenetic location: 1q25.3.
Variant type: single nucleotide variant.
Coding change: c.5546A>G on transcript NM_001205293.3 (MANE Select); coding-DNA position 5546, A replaced by G.
Protein change: p.Lys1849Arg; replaces lysine 1849 with arginine.
Molecular consequence: missense variant.
Genome position (GRCh38, 1-based): chr1:181,784,736, A>G. VCF-style: chr1-181784736-A-G. GRCh37 (hg19) VCF-style: chr1-181753872-A-G.
Other names: c.5546A>G, p.Lys1849Arg (NM_000721.4); c.5489A>G, p.Lys1830Arg (NM_001205294.2); short protein forms K1830R, K1849R.
Identifiers: ClinVar variation 3343419 (VCV003343419.1).